The following is an entry in ClinVar:

NM_006389.5(HYOU1):c.2221A>G (p.Asn741Asp)

Gene: HYOU1 (hypoxia up-regulated 1; minus strand). Cytogenetic location: 11q23.3.
Variant type: single nucleotide variant.
Coding change: c.2221A>G on transcript NM_006389.5 (MANE Select); coding-DNA position 2221, A replaced by G.
Protein change: p.Asn741Asp; replaces asparagine 741 with aspartic acid.
Molecular consequence: missense variant.
Genome position (GRCh38, 1-based): chr11:119,048,508, T>C on the plus strand (A>G on the coding strand, the complement: HYOU1 is on the minus strand). VCF-style: chr11-119048508-T-C. GRCh37 (hg19) VCF-style: chr11-118919220-T-C.
Other names: c.2221A>G, p.Asn741Asp (NM_001130991.3, NM_001411041.1); short protein forms N741D.
Identifiers: ClinVar variation 3004334 (VCV003004334.3), dbSNP rs2497120371, ClinGen allele CA382925790.
Genomic context (GRCh38, chr11:119,048,508, plus strand): 5'-GGGGGGCTGCTGCCTCCTGCCCACTGACCTGGGTCTCAAATATGAATGCTTCCAAGCTGT[T>C]GGCAGCTTTTTCCCGTTCCTGCTTCTCCAGGTCTCGGAGTGTCAAGTCCTGAAGTCTATG-3'
Protein context (NP_006380.1, residues 731-751): LEKQEREKAA[Asn741Asp]SLEAFIFETQ

ClinVar aggregate classification (germline): Uncertain significance (1 of 4 stars; one submission).

Submission:

Labcorp Genetics (formerly Invitae), Labcorp
Classification: Uncertain significance. Last evaluated: 2023-08-08. Review status: criteria provided, single submitter. Criteria: Invitae Variant Classification Sherloc (09022015). Collection method: clinical testing. Allele origin: germline.
Comment: In summary, the available evidence is currently insufficient to determine the role of this variant in disease. Therefore, it has been classified as a Variant of Uncertain Significance. An algorithm developed to predict the effect of missense changes on protein structure and function (PolyPhen-2) suggests that this variant is likely to be disruptive. This variant has not been reported in the literature in individuals affected with HYOU1-related conditions. This variant is not present in population databases (gnomAD no frequency). This sequence change replaces asparagine, which is neutral and polar, with aspartic acid, which is acidic and polar, at codon 741 of the HYOU1 protein (p.Asn741Asp).